The following is an entry in ClinVar:

ClinVar aggregate classification (germline): Benign/Likely benign. Review status: criteria provided, multiple submitters, no conflicts (2 of 4 stars). 5 submissions from 5 submitters: Benign (1); Likely benign (4). Last evaluated 2025-07-16.

Conditions:
Peutz-Jeghers syndrome (PJS). Also called: POLYPOSIS, HAMARTOMATOUS INTESTINAL; POLYPS-AND-SPOTS SYNDROME; Peutz-Jeghers polyposis; Periorificial lentiginosis syndrome. Identifiers: Orphanet 2869, MedGen C0031269, MeSH D010580, MONDO:0008280, OMIM 175200.
Hereditary cancer-predisposing syndrome. Also called: Tumor predisposition; Neoplastic Syndromes, Hereditary; Hereditary Cancer Syndrome; Hereditary neoplastic syndrome. Identifiers: Orphanet 140162, MedGen C0027672, MeSH D009386, MONDO:0015356.

Submissions (5):

Labcorp Genetics (formerly Invitae), Labcorp
Classification: Likely benign for Peutz-Jeghers syndrome. Last evaluated: 2025-07-16. Review status: criteria provided, single submitter. Criteria: Invitae Variant Classification Sherloc (09022015). Collection method: clinical testing. Allele origin: germline.

Myriad Genetics, Inc.
Classification: Benign for Peutz-Jeghers syndrome. Last evaluated: 2025-03-26. Review status: criteria provided, single submitter. Criteria: Myriad Autosomal Dominant, Autosomal Recessive and X-Linked Classification Criteria (2023). Collection method: clinical testing. Allele origin: unknown.
Comment: This variant is considered benign. This variant is a silent/synonymous amino acid change and it is not expected to impact splicing.

All of Us Research Program, National Institutes of Health
Classification: Likely benign for Peutz-Jeghers syndrome. Last evaluated: 2024-04-16. Review status: criteria provided, single submitter. Criteria: ACMG Guidelines, 2015. Collection method: clinical testing. Allele origin: germline. Inheritance: Autosomal dominant inheritance. Observed: 2 variant alleles, 2 heterozygotes.
Comment: This study involves interpretation of variants in research participants for the purpose of population health screening. Participant phenotype was not available at the time of variant classification. Additional details can be found in publication PMID: 35346344, PMCID: PMC8962531

Color Diagnostics, LLC DBA Color Health
Classification: Likely benign for Hereditary cancer-predisposing syndrome. Last evaluated: 2018-01-29. Review status: criteria provided, single submitter. Criteria: ACMG Guidelines, 2015. Collection method: clinical testing. Allele origin: germline.

Ambry Genetics
Classification: Likely benign for Hereditary cancer-predisposing syndrome. Last evaluated: 2015-06-24. Review status: criteria provided, single submitter. Criteria: Ambry Variant Classification Scheme 2023. Collection method: clinical testing. Allele origin: germline.

NM_000455.5(STK11):c.639C>T (p.Ser213=)

Gene: STK11 (serine/threonine kinase 11; plus strand). Cytogenetic location: 19p13.3.
Variant type: single nucleotide variant.
Coding change: c.639C>T on transcript NM_000455.5 (MANE Select); coding-DNA position 639, C replaced by T.
Protein change: p.Ser213=; no amino-acid change (serine 213 retained).
Molecular consequence: synonymous variant.
Genome position (GRCh38, 1-based): chr19:1,220,622, C>T. VCF-style: chr19-1220622-C-T. GRCh37 (hg19) VCF-style: chr19-1220621-C-T.
Identifiers: ClinVar variation 486516 (VCV000486516.15), dbSNP rs1555738391, ClinGen allele CA504892381.
Genomic context (GRCh38, chr19:1,220,622, plus strand): 5'-CTGCACGGCACCGCCACAGGCACTGCACCCGTTCGCGGCGGACGACACCTGCCGGACCAG[C>T]CAGGGCTCCCCGGCTTTCCAGCCGCCCGAGATTGCCAACGGCCTGGACACCTTCTCCGGC-3'
Protein context (NP_000446.1, residues 203-223): PFAADDTCRT[Ser213=]QGSPAFQPPE